The following is an entry in ClinVar:

NM_001042492.3(NF1):c.3799T>C (p.Leu1267=)

Gene: NF1 (neurofibromin 1; plus strand). Cytogenetic location: 17q11.2.
Variant type: single nucleotide variant.
Coding change: c.3799T>C on transcript NM_001042492.3 (MANE Select); coding-DNA position 3799, T replaced by C.
Protein change: p.Leu1267=; no amino-acid change (leucine 1267 retained).
Molecular consequence: synonymous variant.
Genome position (GRCh38, 1-based): chr17:31,235,701, T>C. VCF-style: chr17-31235701-T-C. GRCh37 (hg19) VCF-style: chr17-29562719-T-C.
Other names: c.3799T>C, p.Leu1267= (NM_000267.4).
Identifiers: ClinVar variation 232214 (VCV000232214.3), dbSNP rs876659623, ClinGen allele CA10580295.

ClinVar aggregate classification (germline): Likely benign (1 of 4 stars; one submission).

Conditions:
Hereditary cancer-predisposing syndrome. Also called: Neoplastic Syndromes, Hereditary; Tumor predisposition; Hereditary Cancer Syndrome; Hereditary neoplastic syndrome. Identifiers: Orphanet 140162, MedGen C0027672, MeSH D009386, MONDO:0015356.

Submission:

Ambry Genetics
Classification: Likely benign for Hereditary cancer-predisposing syndrome. Last evaluated: 2015-06-03. Review status: criteria provided, single submitter. Criteria: Ambry Autosomal Dominant and X-Linked criteria (10/2015). Collection method: clinical testing. Allele origin: germline. Observed: 1 variant allele.
Comment: Rarity in general population databases (dbSNP, ESP, 1000 Genomes);Synonymous alterations with insufficient evidence to classify as benign